The following is an entry in ClinVar:

NM_001042646.3(TRAK1):c.2529C>T (p.Leu843=)

Gene: TRAK1 (trafficking kinesin protein 1; plus strand). Cytogenetic location: 3p22.1.
Variant type: single nucleotide variant.
Coding change: c.2529C>T on transcript NM_001042646.3 (MANE Select); coding-DNA position 2529, C replaced by T.
Protein change: p.Leu843=; no amino-acid change (leucine 843 retained).
Molecular consequence: synonymous variant. On other transcripts: 3 prime UTR variant (1), non-coding transcript variant (1).
Genome position (GRCh38, 1-based): chr3:42,223,404, C>T. VCF-style: chr3-42223404-C-T. GRCh37 (hg19) VCF-style: chr3-42264896-C-T.
Other names: c.2154C>T, p.Leu718= (NM_001349245.1); c.2466C>T, p.Leu822= (NM_001349246.2); c.*483C>T (NM_001349247.2); c.2244C>T, p.Leu748= (NM_001349248.1); c.2307C>T, p.Leu769= (NM_001349249.1); c.2355C>T, p.Leu785= (NM_001410741.1).
Identifiers: ClinVar variation 2969515 (VCV002969515.5), dbSNP rs772789602, ClinGen allele CA2333885.

ClinVar aggregate classification (germline): Likely benign. Review status: criteria provided, single submitter (1 of 4 stars). 2 submissions from 2 submitters: Likely benign (1). 1 of the submissions does not count toward it. Last evaluated 2023-12-10.

Conditions:
TRAK1-related disorder. Also called: TRAK1-related condition.

Allele frequency attached by ClinVar (database versions not stated): ExAC 0.00001.
gnomAD v4.1: 35 of 1,614,180 alleles (0.0022%); highest among the groups gnomAD compares: Non-Finnish European, 0.0028%; no homozygotes.

Submissions (2):

Labcorp Genetics (formerly Invitae), Labcorp
Classification: Likely benign. Last evaluated: 2023-12-10. Review status: criteria provided, single submitter. Criteria: Invitae Variant Classification Sherloc (09022015). Collection method: clinical testing. Allele origin: germline.

PreventionGenetics, part of Exact Sciences
Classification: Likely benign for TRAK1-related condition. Last evaluated: 2019-05-01. Review status: no assertion criteria provided. Collection method: clinical testing. Allele origin: germline. Not counted in ClinVar's aggregate classification.
Comment: This variant is classified as likely benign based on ACMG/AMP sequence variant interpretation guidelines (Richards et al. 2015 PMID: 25741868, with internal and published modifications).